The following is an entry in ClinVar:

ClinVar aggregate classification (germline): Conflicting classifications of pathogenicity. Review status: criteria provided, conflicting classifications (1 of 4 stars). 8 submissions from 8 submitters: Uncertain significance (7); Likely benign (1). Last evaluated 2025-12-01.

Conditions:
BRCA2-related disorder. Also called: BRCA2-related condition; BRCA2-related disorders. Identifiers: MedGen CN239275.
Hereditary cancer-predisposing syndrome. Also called: Neoplastic Syndromes, Hereditary; Hereditary Cancer Syndrome; Tumor predisposition; Hereditary neoplastic syndrome. Identifiers: Orphanet 140162, MedGen C0027672, MeSH D009386, MONDO:0015356.
Hereditary breast ovarian cancer syndrome. Also called: BRCA1- and BRCA2-Associated Hereditary Breast and Ovarian Cancer; Hereditary breast and ovarian cancer; Hereditary breast and ovarian cancer syndrome; Hereditary breast and ovarian cancer syndrome (HBOC); Hereditary breast and/or ovarian cancer syndrome; Breast and ovarian cancer. Identifiers: Orphanet 145, MedGen C0677776, MeSH D061325, MONDO:0003582. Disease mechanism: loss of function.
Breast-ovarian cancer, familial, susceptibility to, 2 (BROVCA2). Also called: BRCA2 Hereditary Breast and Ovarian Cancer. Identifiers: Orphanet 145, MedGen C2675520, MONDO:0012933, OMIM 612555. Disease mechanism: loss of function.

Allele frequency attached by ClinVar (database versions not stated): gnomAD exomes below 0.00001.
gnomAD v4.1: 2 of 1,606,696 alleles (0.00012%); highest among the groups gnomAD compares: Non-Finnish European, 0.000085%; no homozygotes.

Submissions (8):

Labcorp Genetics (formerly Invitae), Labcorp
Classification: Uncertain significance for Hereditary breast ovarian cancer syndrome. Last evaluated: 2025-12-01. Review status: criteria provided, single submitter. Criteria: Invitae Variant Classification Sherloc (09022015). Collection method: clinical testing. Allele origin: germline.
Comment: This sequence change replaces serine, which is neutral and polar, with proline, which is neutral and non-polar, at codon 1115 of the BRCA2 protein (p.Ser1115Pro). This variant is present in population databases (no rsID available, gnomAD no frequency). This variant has not been reported in the literature in individuals affected with BRCA2-related conditions. ClinVar contains an entry for this variant (Variation ID: 481530). Invitae Evidence Modeling of protein sequence and biophysical properties (such as structural, functional, and spatial information, amino acid conservation, physicochemical variation, residue mobility, and thermodynamic stability) indicates that this missense variant is not expected to disrupt BRCA2 protein function with a negative predictive value of 95%. In summary, the available evidence is currently insufficient to determine the role of this variant in disease. Therefore, it has been classified as a Variant of Uncertain Significance.

Quest Diagnostics Nichols Institute San Juan Capistrano
Classification: Uncertain significance. Last evaluated: 2025-05-19. Review status: criteria provided, single submitter. Criteria: Quest Diagnostics criteria. Collection method: clinical testing. Allele origin: unknown.
Comment: The BRCA2 c.3343T>C (p.Ser1115Pro) variant has been reported in the published literature in individuals with sporadic pancreatic ductal adenocarcinoma (PMID: 31853058 (2020)), prostate tumor (PMID: 36922933 (2022)), and described to be located in a region of the BRCA2 gene that is tolerant to missense sequence changes (PMID: 31911673 (2020)). The frequency of this variant in the general population (Genome Aggregation Database) is uninformative in the assessment of its pathogenicity. Analysis of this variant using bioinformatics tools for the prediction of the effect of amino acid changes on protein structure and function yielded conflicting predictions that this variant is benign or damaging. Based on the available information, we are unable to determine the clinical significance of this variant.

PreventionGenetics, part of Exact Sciences
Classification: Uncertain significance for BRCA2-related condition. Last evaluated: 2025-02-15. Review status: criteria provided, single submitter. Criteria: ACMG Guidelines, 2015. Collection method: clinical testing. Allele origin: germline.
Comment: The BRCA2 c.3343T>C variant is predicted to result in the amino acid substitution p.Ser1115Pro. To our knowledge, this variant has not been reported in the literature in individuals with BRCA2-related conditions. This variant occurs within a region of the BRCA2 gene that is predicted to be tolerant to missense variation (Table 2, Dines et al. 2020. PubMed ID: 31911673). This variant is reported in 0.00090% of alleles in individuals of European (Non-Finnish) descent in gnomAD. This variant has interpretations of uncertain significance (5) and likely benign (1) in ClinVar. Although we suspect that this variant may be benign, at this time, the clinical significance of this variant is uncertain due to the absence of conclusive functional and genetic evidence.

All of Us Research Program, National Institutes of Health
Classification: Uncertain significance for Breast-ovarian cancer, familial, susceptibility to, 2. Last evaluated: 2023-10-02. Review status: criteria provided, single submitter. Criteria: ACMG Guidelines, 2015. Collection method: clinical testing. Allele origin: germline. Inheritance: Autosomal dominant inheritance. Observed: 2 variant alleles, 2 heterozygotes.
Comment: This missense variant replaces serine with proline at codon 1115 of the BRCA2 protein. Computational prediction suggests that this variant may not impact protein structure and function (internally defined REVEL score threshold <= 0.5, PMID: 27666373). A functional study using canine BRCA2 showed reduced interaction between the variant protein and RAD51 in a mammalian two-hybrid assay, but co-immunoprecipitation of the variant protein and RAD51 comparable to wild-type BRCA2 (PMID: 36851449). This variant has not been reported in individuals affected with BRCA2-related disorders in the literature. This variant has been identified in 1/243734 chromosomes in the general population by the Genome Aggregation Database (gnomAD). The available evidence is insufficient to determine the role of this variant in disease conclusively. Therefore, this variant is classified as a Variant of Uncertain Significance.

This study involves interpretation of variants in research participants for the purpose of population health screening. Participant phenotype was not available at the time of variant classification. Additional details can be found in publication PMID: 35346344, PMCID: PMC8962531

University of Washington Department of Laboratory Medicine, University of Washington
Classification: Likely benign for Hereditary cancer-predisposing syndrome. Last evaluated: 2023-03-23. Review status: criteria provided, single submitter. Criteria: Dines et al. (Genet Med. 2020). Collection method: curation. Allele origin: germline.
Comment: Missense variant in a coldspot region where missense variants are very unlikely to be pathogenic (PMID:31911673).

BRCA2 exon 11 coldspot. Reclassification based on statistical prior probability.

Ambry Genetics
Classification: Uncertain significance for Hereditary cancer-predisposing syndrome. Last evaluated: 2023-01-02. Review status: criteria provided, single submitter. Criteria: Ambry Variant Classification Scheme 2023. Collection method: clinical testing. Allele origin: germline.
Comment: The p.S1115P variant (also known as c.3343T>C), located in coding exon 10 of the BRCA2 gene, results from a T to C substitution at nucleotide position 3343. The serine at codon 1115 is replaced by proline, an amino acid with similar properties. This amino acid position is highly conserved in available vertebrate species. In addition, the in silico prediction for this alteration is inconclusive. Since supporting evidence is limited at this time, the clinical significance of this alteration remains unclear.

Mayo Clinic Laboratories, Mayo Clinic
Classification: Uncertain significance. Last evaluated: 2020-03-16. Review status: criteria provided, single submitter. Criteria: ACMG Guidelines, 2015. Collection method: clinical testing. Allele origin: germline. Observed: 1 variant allele.

GeneDx
Classification: Uncertain significance. Last evaluated: 2019-10-23. Review status: criteria provided, single submitter. Criteria: GeneDx Variant Classification Process June 2021. Collection method: clinical testing. Allele origin: germline. Affected: yes.
Comment: Has not been previously published as pathogenic or benign to our knowledge; Not observed at a significant frequency in large population cohorts (Lek et al., 2016); In silico analysis, which includes protein predictors and evolutionary conservation, supports a deleterious effect; Also known as 3571T>C

Literature cited by the submitters: PubMed 36922933 (cited by Quest Diagnostics Nichols Institute San Juan Capistrano); PubMed 31911673 (cited by Quest Diagnostics Nichols Institute San Juan Capistrano); PubMed 31853058 (cited by Quest Diagnostics Nichols Institute San Juan Capistrano); PubMed 36851449 (cited by All of Us Research Program, National Institutes of Health).

NM_000059.4(BRCA2):c.3343T>C (p.Ser1115Pro)

Gene: BRCA2 (BRCA2 DNA repair associated; plus strand). Cytogenetic location: 13q13.1.
Variant type: single nucleotide variant.
Coding change: c.3343T>C on transcript NM_000059.4 (MANE Select); coding-DNA position 3343, T replaced by C.
Protein change: p.Ser1115Pro; replaces serine 1115 with proline.
Molecular consequence: missense variant.
Genome position (GRCh38, 1-based): chr13:32,337,698, T>C. VCF-style: chr13-32337698-T-C. GRCh37 (hg19) VCF-style: chr13-32911835-T-C.
Other names: short protein forms S1115P.
Identifiers: ClinVar variation 481530 (VCV000481530.25), dbSNP rs1204868565, ClinGen allele CA387776321.